The following is an entry in ClinVar:

NM_022455.5(NSD1):c.5509+6T>C

Genes: NSD1 (nuclear receptor binding SET domain protein 1; plus strand), LOC126807619 (MED14-independent group 3 enhancer GRCh37_chr5:176696443-176697642; plus strand). Cytogenetic location: 5q35.3.
Variant type: single nucleotide variant.
Coding change: c.5509+6T>C on transcript NM_022455.5 (MANE Select); 6 bases into the intron after coding-DNA position 5509, T replaced by C.
Molecular consequence: intron variant.
Genome position (GRCh38, 1-based): chr5:177,269,813, T>C. VCF-style: chr5-177269813-T-C. GRCh37 (hg19) VCF-style: chr5-176696814-T-C.
Other names: c.5509+6T>C (NM_001409301.1, NM_001409302.1, NM_001409303.1); c.5089+6T>C (NM_001409304.1); c.4756+6T>C (NM_001409305.1); c.4747+6T>C (NM_001409306.1, NM_001409307.1); c.4636+6T>C (NM_001409308.1, NM_172349.5, NM_001409309.1 and 1 more transcripts).
Identifiers: ClinVar variation 3628264 (VCV003628264.2).
Genomic context (GRCh38, chr5:177,269,813, plus strand): 5'-GACGTGAGCAGCAAGGATAAGATGGGCAAAGGAGTGGATGGGACATATAAAAAAGGTAAC[T>C]TTATCCTTTTTGTTTCTCAGGCAAACACAGACCTCTGTTACCTGAGTGTCTGATCTGTTT-3'

ClinVar aggregate classification (germline): Uncertain significance (1 of 4 stars; one submission).

Submission:

Labcorp Genetics (formerly Invitae), Labcorp
Classification: Uncertain significance. Last evaluated: 2023-07-12. Review status: criteria provided, single submitter. Criteria: Invitae Variant Classification Sherloc (09022015). Collection method: clinical testing. Allele origin: germline.
Comment: This variant is not present in population databases (gnomAD no frequency). This sequence change falls in intron 16 of the NSD1 gene. It does not directly change the encoded amino acid sequence of the NSD1 protein. It affects a nucleotide within the consensus splice site. This variant has not been reported in the literature in individuals affected with NSD1-related conditions. Variants that disrupt the consensus splice site are a relatively common cause of aberrant splicing (PMID: 17576681, 9536098). Algorithms developed to predict the effect of sequence changes on RNA splicing suggest that this variant is not likely to affect RNA splicing. In summary, the available evidence is currently insufficient to determine the role of this variant in disease. Therefore, it has been classified as a Variant of Uncertain Significance.

Literature cited by the submitters: PubMed 17576681; PubMed 9536098.